The following is an entry in ClinVar:

ClinVar aggregate classification (germline): Likely benign (0 of 4 stars; one submission).

Conditions:
SRD5A2-related disorder. Also called: SRD5A2-related condition.

gnomAD v4.1: 2 of 1,573,950 alleles (0.00013%); highest among the groups gnomAD compares: Non-Finnish European, 0.00017%; no homozygotes.

Submission:

PreventionGenetics, part of Exact Sciences
Classification: Likely benign for SRD5A2-related condition. Last evaluated: 2019-08-09. Review status: no assertion criteria provided. Collection method: clinical testing. Allele origin: germline.
Comment: This variant is classified as likely benign based on ACMG/AMP sequence variant interpretation guidelines (Richards et al. 2015 PMID: 25741868, with internal and published modifications).

NM_000348.4(SRD5A2):c.*2G>A

Gene: SRD5A2 (steroid 5 alpha-reductase 2; minus strand). Cytogenetic location: 2p23.1.
Variant type: single nucleotide variant.
Coding change: c.*2G>A on transcript NM_000348.4 (MANE Select); 2 bases downstream of the stop codon, G replaced by A.
Molecular consequence: 3 prime UTR variant.
Genome position (GRCh38, 1-based): chr2:31,526,194, C>T on the plus strand (G>A on the coding strand, the complement: SRD5A2 is on the minus strand). VCF-style: chr2-31526194-C-T. GRCh37 (hg19) VCF-style: chr2-31751264-C-T.
Identifiers: ClinVar variation 3035322 (VCV003035322.2), dbSNP rs2465619261, ClinGen allele CA425566616.